The following is an entry in ClinVar:

ClinVar aggregate classification (germline): Likely pathogenic. Review status: criteria provided, multiple submitters, no conflicts (2 of 4 stars). 3 submissions from 3 submitters: Likely pathogenic (3). Last evaluated 2024-11-05.

Conditions:
Centronuclear myopathy (CNM). Also called: Myotubular myopathy; Centronuclear myopathy, congenital. Identifiers: Orphanet 595, MedGen C0175709, MONDO:0018947. Inheritance: All.
Dilated cardiomyopathy 1G (CMD1G). Identifiers: Orphanet 154, MedGen C1858763, MONDO:0011400, OMIM 604145.
Autosomal recessive limb-girdle muscular dystrophy type 2J (LGMDR10). Also called: Limb-girdle muscular dystrophy, type 2J; MUSCULAR DYSTROPHY, LIMB-GIRDLE, AUTOSOMAL RECESSIVE 10. Identifiers: Orphanet 140922, MedGen C1837342, MONDO:0012127, OMIM 608807.

Allele frequency attached by ClinVar (database versions not stated): gnomAD 0.00001; gnomAD exomes 0.00001.
gnomAD v4.1: 10 of 1,613,002 alleles (0.00062%); highest among the groups gnomAD compares: Non-Finnish European, 0.00085%; no homozygotes.

Submissions (3):

Labcorp Genetics (formerly Invitae), Labcorp
Classification: Likely pathogenic for Dilated cardiomyopathy 1G; Autosomal recessive limb-girdle muscular dystrophy type 2J. Last evaluated: 2024-11-05. Review status: criteria provided, single submitter. Criteria: Invitae Variant Classification Sherloc (09022015). Collection method: clinical testing. Allele origin: germline.
Comment: This sequence change replaces glutamic acid, which is acidic and polar, with lysine, which is basic and polar, at codon 7321 of the TTN protein (p.Glu7321Lys). This variant also falls at the last nucleotide of exon 75, which is part of the consensus splice site for this exon. This variant is not present in population databases (gnomAD no frequency). This missense change has been observed in individual(s) with centronuclear myopathy (PMID: 23975875, 33449170). In at least one individual the data is consistent with being in trans (on the opposite chromosome) from a pathogenic variant. This variant is also known as c.22186G>A . ClinVar contains an entry for this variant (Variation ID: 1522765). Experimental studies and prediction algorithms are not available or were not evaluated, and the functional significance of this variant is currently unknown. Variants that disrupt the consensus splice site are a relatively common cause of aberrant splicing (PMID: 17576681, 9536098). Algorithms developed to predict the effect of sequence changes on RNA splicing suggest that this variant may disrupt the consensus splice site. This variant is located in the I band of TTN (PMID: 25589632). Non-truncating variants in this region may be clinically relevant, but have not been definitively shown to cause cardiomyopathy or neuromuscular disease (PMID: 27493940, 32778822). In summary, the currently available evidence indicates that the variant is pathogenic, but additional data are needed to prove that conclusively. Therefore, this variant has been classified as Likely Pathogenic.

GeneDx
Classification: Likely pathogenic. Last evaluated: 2024-05-28. Review status: criteria provided, single submitter. Criteria: GeneDx Variant Classification Process June 2021. Collection method: clinical testing. Allele origin: germline. Affected: yes.
Comment: Not observed at significant frequency in large population cohorts (gnomAD); In silico analysis supports that this missense variant has a deleterious effect on protein structure/function; This variant is associated with the following publications: (PMID: 23975875, 33449170, 25589632, 29691892, 32778822, 27493940)

Muscle and Diseases Team, Institut de Génétique et Biologie Moléculaire et Cellulaire
Classification: Likely pathogenic for Centronuclear myopathy. Last evaluated: 2024-03-01. Review status: criteria provided, single submitter. Criteria: ACMG Guidelines, 2015. Collection method: research. Allele origin: unknown. Affected: yes. Observed: 1 variant allele.
Comment: PM2+PM3+PP2+PP3

Literature cited by the submitters: PubMed 23975875 (cited by Labcorp Genetics (formerly Invitae), Labcorp); PubMed 33449170 (cited by Labcorp Genetics (formerly Invitae), Labcorp); PubMed 17576681 (cited by Labcorp Genetics (formerly Invitae), Labcorp); PubMed 9536098 (cited by Labcorp Genetics (formerly Invitae), Labcorp); PubMed 25589632 (cited by Labcorp Genetics (formerly Invitae), Labcorp); PubMed 27493940 (cited by Labcorp Genetics (formerly Invitae), Labcorp); PubMed 32778822 (cited by Labcorp Genetics (formerly Invitae), Labcorp); DOI 10.1186/s13073-024-01353-0 (cited by Muscle and Diseases Team, Institut de Génétique et Biologie Moléculaire et Cellulaire).

NM_001267550.2(TTN):c.21961G>A (p.Glu7321Lys)

Gene: TTN (titin; minus strand). Cytogenetic location: 2q31.2.
Variant type: single nucleotide variant.
Coding change: c.21961G>A on transcript NM_001267550.2 (MANE Select); coding-DNA position 21961, G replaced by A.
Protein change: p.Glu7321Lys; replaces glutamic acid 7321 with lysine.
Molecular consequence: missense variant. On other transcripts: intron variant (3).
Genome position (GRCh38, 1-based): chr2:178,723,046, C>T on the plus strand (G>A on the coding strand, the complement: TTN is on the minus strand). VCF-style: chr2-178723046-C-T. GRCh37 (hg19) VCF-style: chr2-179587773-C-T.
Other names: c.21961G>A (NM_001267550.1); c.21010G>A, p.Glu7004Lys (NM_001256850.1); c.18229G>A, p.Glu6077Lys (NM_133378.4); c.13282+15036G>A (NM_003319.4); c.13858+15036G>A (NM_133437.4); c.13657+15036G>A (NM_133432.3); short protein forms E7321K, E6077K, E7004K.
Identifiers: ClinVar variation 1522765 (VCV001522765.9), dbSNP rs2078691261, ClinGen allele CA349530031.